The following is an entry in ClinVar:

NM_000455.5(STK11):c.427G>T (p.Val143Leu)

Gene: STK11 (serine/threonine kinase 11; plus strand). Cytogenetic location: 19p13.3.
Variant type: single nucleotide variant.
Coding change: c.427G>T on transcript NM_000455.5 (MANE Select); coding-DNA position 427, G replaced by T.
Protein change: p.Val143Leu; replaces valine 143 with leucine.
Molecular consequence: missense variant. On other transcripts: non-coding transcript variant (1).
Genome position (GRCh38, 1-based): chr19:1,219,376, G>T. VCF-style: chr19-1219376-G-T. GRCh37 (hg19) VCF-style: chr19-1219375-G-T.
Other names: c.427G>T, p.Val143Leu (NM_001407255.1); short protein forms V143L.
Identifiers: ClinVar variation 3450565 (VCV003450565.1).
Genomic context (GRCh38, chr19:1,219,376, plus strand): 5'-CGCCCCACGTATATGGTGATGGAGTACTGCGTGTGTGGCATGCAGGAAATGCTGGACAGC[G>T]TGCCGGAGAAGCGTTTCCCAGTGTGCCAGGCCCACGGGTGCGTGCGCGGGGCAGGGGCCA-3'
Protein context (NP_000446.1, residues 133-153): VCGMQEMLDS[Val143Leu]PEKRFPVCQA

ClinVar aggregate classification (germline): Uncertain significance (1 of 4 stars; one submission).

Conditions:
Hereditary cancer-predisposing syndrome. Also called: Tumor predisposition; Neoplastic Syndromes, Hereditary; Hereditary neoplastic syndrome; Hereditary Cancer Syndrome. Identifiers: Orphanet 140162, MedGen C0027672, MeSH D009386, MONDO:0015356.

Submission:

Ambry Genetics
Classification: Uncertain significance for Hereditary cancer-predisposing syndrome. Last evaluated: 2024-06-28. Review status: criteria provided, single submitter. Criteria: Ambry Variant Classification Scheme 2023. Collection method: clinical testing. Allele origin: germline.
Comment: The p.V143L variant (also known as c.427G>T), located in coding exon 3 of the STK11 gene, results from a G to T substitution at nucleotide position 427. The valine at codon 143 is replaced by leucine, an amino acid with highly similar properties. This amino acid position is conserved. In addition, the in silico prediction for this alteration is inconclusive. Based on the available evidence, the clinical significance of this variant remains unclear.